The following is an entry in ClinVar:

ClinVar aggregate classification (germline): Conflicting classifications of pathogenicity. Review status: criteria provided, conflicting classifications (1 of 4 stars). 5 submissions from 5 submitters: Uncertain significance (2); Likely benign (2). 1 of the submissions does not count toward it. Last evaluated 2025-12-26.

Conditions:
PIEZO1-related disorder. Also called: PIEZO1-related condition; PIEZO1-Related Disorders.

Allele frequency attached by ClinVar (database versions not stated): gnomAD exomes below 0.00001; gnomAD 0.00001; TOPMed 0.00002.
gnomAD v4.1: 25 of 1,550,392 alleles (0.0016%); highest among the groups gnomAD compares: East Asian, 0.0098%; 1 homozygote.

Submissions (5):

Labcorp Genetics (formerly Invitae), Labcorp
Classification: Likely benign. Last evaluated: 2025-12-26. Review status: criteria provided, single submitter. Criteria: Invitae Variant Classification Sherloc (09022015). Collection method: clinical testing. Allele origin: germline.

Blueprint Genetics
Classification: Likely benign. Last evaluated: 2024-09-27. Review status: criteria provided, single submitter. Criteria: ACMG Guidelines, 2015. Collection method: clinical testing. Allele origin: germline.

Revvity Omics, Revvity
Classification: Uncertain significance. Last evaluated: 2024-02-06. Review status: criteria provided, single submitter. Criteria: ACMG Guidelines, 2015. Collection method: clinical testing. Allele origin: germline.

Mayo Clinic Laboratories, Mayo Clinic
Classification: Uncertain significance. Last evaluated: 2022-07-21. Review status: criteria provided, single submitter. Criteria: ACMG Guidelines, 2015. Collection method: clinical testing. Allele origin: germline. Observed: 1 variant allele.

PreventionGenetics, part of Exact Sciences
Classification: Uncertain significance for PIEZO1-related condition. Last evaluated: 2024-06-24. Review status: no assertion criteria provided. Collection method: clinical testing. Allele origin: germline. Not counted in ClinVar's aggregate classification.
Comment: The PIEZO1 c.1718A>G variant is predicted to result in the amino acid substitution p.Lys573Arg. To our knowledge, this variant has not been reported in the literature. This variant is reported in 0.0092% of alleles in individuals of East Asian descent in gnomAD. At this time, the clinical significance of this variant is uncertain due to the absence of conclusive functional and genetic evidence.

NM_001142864.4(PIEZO1):c.1718A>G (p.Lys573Arg)

Genes: HSALR1 (HSP90AB1 associated lncRNA 1; plus strand), PIEZO1 (piezo type mechanosensitive ion channel component 1 (Er blood group); minus strand). Cytogenetic location: 16q24.3.
Variant type: single nucleotide variant.
Coding change: c.1718A>G on transcript NM_001142864.4 (MANE Select); coding-DNA position 1718, A replaced by G.
Protein change: p.Lys573Arg; replaces lysine 573 with arginine.
Molecular consequence: missense variant.
Genome position (GRCh38, 1-based): chr16:88,735,005, T>C on the plus strand (A>G on the coding strand, the complement: PIEZO1 is on the minus strand). VCF-style: chr16-88735005-T-C. GRCh37 (hg19) VCF-style: chr16-88801413-T-C.
Other names: p.Lys573Arg; c.1718A>G (NM_001142864.2); c.263A>G, p.Lys88Arg (NM_014745.1); short protein forms K573R, K88R.
Identifiers: ClinVar variation 2636014 (VCV002636014.6), dbSNP rs1052196774, ClinGen allele CA286425045.
Genomic context (GRCh38, chr16:88,735,005, plus strand): 5'-AAGCTGACCACGATGAACATGCCAGCACACACATAGATCCAGTACTTGGCGTACACGCCC[T>C]TCACCAGCTCCCCCAGGCTCTGCAACAGCGTCTGCGTCCGCGTGGGCTCTGTGGGCCAAG-3'
Protein context (NP_001136336.2, residues 563-583): TLLQSLGELV[Lys573Arg]GVYAKYWIYV